The following is an entry in ClinVar:

ClinVar aggregate classification (germline): Likely benign. Review status: criteria provided, multiple submitters, no conflicts (2 of 4 stars). 3 submissions from 3 submitters: Likely benign (3). Last evaluated 2025-04-13.

Conditions:
Cardiovascular phenotype. Identifiers: MedGen CN230736.
Dilated cardiomyopathy 1G (CMD1G). Identifiers: Orphanet 154, MedGen C1858763, MONDO:0011400, OMIM 604145.
Autosomal recessive limb-girdle muscular dystrophy type 2J (LGMDR10). Also called: Limb-girdle muscular dystrophy, type 2J; MUSCULAR DYSTROPHY, LIMB-GIRDLE, AUTOSOMAL RECESSIVE 10. Identifiers: Orphanet 140922, MedGen C1837342, MONDO:0012127, OMIM 608807.

Allele frequency attached by ClinVar (database versions not stated): gnomAD exomes 0.00001.
gnomAD v4.1: 9 of 1,551,778 alleles (0.00058%); highest among the groups gnomAD compares: Non-Finnish European, 0.0007%; no homozygotes.

Submissions (3):

Labcorp Genetics (formerly Invitae), Labcorp
Classification: Likely benign for Dilated cardiomyopathy 1G; Autosomal recessive limb-girdle muscular dystrophy type 2J. Last evaluated: 2025-04-13. Review status: criteria provided, single submitter. Criteria: Invitae Variant Classification Sherloc (09022015). Collection method: clinical testing. Allele origin: germline.

Ambry Genetics
Classification: Likely benign for Cardiovascular phenotype. Last evaluated: 2024-08-19. Review status: criteria provided, single submitter. Criteria: Ambry Variant Classification Scheme 2023. Collection method: clinical testing. Allele origin: germline.

Laboratory for Molecular Medicine, Mass General Brigham Personalized Medicine
Classification: Likely benign. Last evaluated: 2012-08-09. Review status: criteria provided, single submitter. Criteria: LMM Criteria. Collection method: clinical testing. Allele origin: germline. Observed: 1 variant allele.
Comment: Ser3540Ser in exon 45B of TTN: This variant is not expected to have clinical sig nificance because it does not alter an amino acid residue and is not located wit hin the splice consensus sequence. Ser3540Ser in exon 45B of TTN (allele frequ ency = n/a)

NM_001267550.2(TTN):c.11334T>C (p.Ser3778=)

Gene: TTN (titin; minus strand). Cytogenetic location: 2q31.2.
Variant type: single nucleotide variant.
Coding change: c.11334T>C on transcript NM_001267550.2 (MANE Select); coding-DNA position 11334, T replaced by C.
Protein change: p.Ser3778=; no amino-acid change (serine 3778 retained).
Molecular consequence: synonymous variant. On other transcripts: intron variant (1).
Genome position (GRCh38, 1-based): chr2:178,741,899, A>G on the plus strand (T>C on the coding strand, the complement: TTN is on the minus strand). VCF-style: chr2-178741899-A-G. GRCh37 (hg19) VCF-style: chr2-179606626-A-G.
Other names: c.10620T>C, p.Ser3540= (NM_133432.3); c.10383T>C, p.Ser3461= (NM_001256850.1); c.10245T>C, p.Ser3415= (NM_003319.4); c.10821T>C, p.Ser3607= (NM_133437.4); c.10361-3539T>C (NM_133378.4).
Identifiers: ClinVar variation 47806 (VCV000047806.16), dbSNP rs397517824, ClinGen allele CA141939.